The following is an entry in ClinVar:

ClinVar aggregate classification (germline): Conflicting classifications of pathogenicity. Review status: criteria provided, conflicting classifications (1 of 4 stars). 2 submissions from 2 submitters: Likely pathogenic (1); Uncertain significance (1). Last evaluated 2023-05-22.

Conditions:
Hypertrophic cardiomyopathy. Also called: HYPERTROPHIC MYOCARDIOPATHY. Identifiers: Orphanet 217569, MedGen C0007194, MeSH D002312, MONDO:0005045, HP:0001639.

Submissions (2):

Labcorp Genetics (formerly Invitae), Labcorp
Classification: Uncertain significance for Hypertrophic cardiomyopathy. Last evaluated: 2023-05-22. Review status: criteria provided, single submitter. Criteria: Invitae Variant Classification Sherloc (09022015). Collection method: clinical testing. Allele origin: germline.
Comment: This sequence change replaces leucine, which is neutral and non-polar, with isoleucine, which is neutral and non-polar, at codon 267 of the MYH7 protein (p.Leu267Ile). This variant is not present in population databases (gnomAD no frequency). This variant has not been reported in the literature in individuals affected with MYH7-related conditions. ClinVar contains an entry for this variant (Variation ID: 1203583). An algorithm developed to predict the effect of missense changes on protein structure and function (PolyPhen-2) suggests that this variant is likely to be disruptive. This variant is found within a region of MYH7 between codons 181 and 937 that contains the majority of the myosin head domain. Missense variants in this region have been shown to be significantly overrepresented in individuals with hypertrophic cardiomyopathy (PMID: 27532257). In summary, the available evidence is currently insufficient to determine the role of this variant in disease. Therefore, it has been classified as a Variant of Uncertain Significance.

GeneDx
Classification: Likely pathogenic. Last evaluated: 2019-08-09. Review status: criteria provided, single submitter. Criteria: GeneDx Variant Classification Process June 2021. Collection method: clinical testing. Allele origin: germline. Affected: yes.
Comment: Has not been previously published as pathogenic or benign to our knowledge; Not observed in large population cohorts (Lek et al., 2016); In silico analysis, which includes protein predictors and evolutionary conservation, supports that this variant does not alter protein structure/function

Literature cited by the submitters: PubMed 27532257 (cited by Labcorp Genetics (formerly Invitae), Labcorp).

NM_000257.4(MYH7):c.799C>A (p.Leu267Ile)

Gene: MYH7 (myosin heavy chain 7; minus strand). Cytogenetic location: 14q11.2.
Variant type: single nucleotide variant.
Coding change: c.799C>A on transcript NM_000257.4 (MANE Select); coding-DNA position 799, C replaced by A.
Protein change: p.Leu267Ile; replaces leucine 267 with isoleucine.
Molecular consequence: missense variant.
Genome position (GRCh38, 1-based): chr14:23,430,997, G>T on the plus strand (C>A on the coding strand, the complement: MYH7 is on the minus strand). VCF-style: chr14-23430997-G-T. GRCh37 (hg19) VCF-style: chr14-23900206-G-T.
Other names: short protein forms L267I.
Identifiers: ClinVar variation 1203583 (VCV001203583.8), dbSNP rs727504409, ClinGen allele CA389052021.